The following is an entry in ClinVar:

NM_000170.3(GLDC):c.1054del (p.Thr352fs)

Gene: GLDC (glycine decarboxylase; minus strand). Cytogenetic location: 9p24.1.
Variant type: Deletion.
Coding change: c.1054del on transcript NM_000170.3 (MANE Select); coding-DNA position 1054, one base deleted (A; older notation c.1054delA).
Protein change: p.Thr352fs; shifts the reading frame from threonine 352.
Molecular consequence: frameshift variant.
Genome position (GRCh38, 1-based): chr9:6,604,592, T deleted on the plus strand (A on the coding strand, the reverse complement: GLDC is on the minus strand); the first of 2 consecutive T bases (chr9:6,604,592-6,604,593); deleting either gives the same sequence. VCF-style (leftmost placement, unchanged base first): chr9-6604591-GT-G. GRCh37 (hg19) VCF-style: chr9-6604591-GT-G.
Other names: c.1054delA (NM_000170.2); short protein forms T352fs.
Identifiers: ClinVar variation 56037 (VCV000056037.21), dbSNP rs386833518, ClinGen allele CA263282.

ClinVar aggregate classification (germline): Pathogenic. Review status: criteria provided, multiple submitters, no conflicts (2 of 4 stars). 10 submissions from 10 submitters: Pathogenic (8). 2 of the submissions do not count toward it. Last evaluated 2026-01-21.

Conditions:
GLDC-related disorders.
GLDC-related disorder. Also called: GLDC-related condition.
Glycine encephalopathy 1 (GCE1). Identifiers: MedGen CN376801, MONDO:0958179, OMIM 605899.
Glycine encephalopathy. Also called: Nonketotic hyperglycinemia; Non-ketotic hyperglycinemia. Identifiers: Orphanet 407, MedGen C0751748, MONDO:0011612, HP:0008288.

Submissions (10):

GeneDx
Classification: Pathogenic. Last evaluated: 2026-01-21. Review status: criteria provided, single submitter. Criteria: GeneDx Variant Classification Process June 2021. Collection method: clinical testing. Allele origin: germline. Affected: yes.
Comment: Reported in individuals with nonketotic hyperglycinemia in published literature; however, a second pathogenic variant in GLDC was not identified (PMID: 12126939, 30385710); Frameshift variant predicted to result in protein truncation or nonsense mediated decay in a gene for which loss of function is a known mechanism of disease; Not observed at significant frequency in large population cohorts (gnomAD); This variant is associated with the following publications: (PMID: 17361008, 30385710, 28759667, 12126939, 27362913)

Natera, Inc.
Classification: Pathogenic for Non-ketotic hyperglycinemia. Last evaluated: 2025-07-03. Review status: criteria provided, single submitter. Criteria: Natera Variant Classification Schema (03/2026). Collection method: clinical testing. Allele origin: germline.
Comment: The c.1054delA variant in GLDC is a frameshift variant predicted to shift the reading frame beginning at codon 352 and leads to a stop codon 65 codons downstream. This variant is expected to result in nonsense mediated decay, truncation, or a dysfunctional protein product. This variant is rare in the general population with a frequency below the threshold expected for the associated phenotype(s). This variant has been observed in one or more individuals affected with the associated recessive disease, as either homozygous or compound heterozygous with a second variant (PMID: 27362913). Given the available evidence, this variant is classified as Pathogenic.

Rady Children's Institute for Genomic Medicine, Rady Children's Hospital San Diego
Classification: Pathogenic for GLYCINE ENCEPHALOPATHY. Last evaluated: 2024-03-13. Review status: criteria provided, single submitter. Criteria: ACMG Guidelines, 2015. Collection method: clinical testing. Allele origin: germline. Affected: yes.
Comment: This frameshifting variant in exon 7 of 25 is predicted to result in loss of normal protein function through either protein truncation or nonsense-mediated mRNA decay. Loss-of-function variation in GLDC is an established mechanism of disease (PMID: 16601880). This variant has been previously reported as a compound heterozygous change in individuals with glycine encephalopathy (PMID: 17361008, 12126939, 30385710). The c.1054del (p.Thr352GlnfsTer65) variant is present in the heterozygous state in the gnomAD v4 population database at a frequency of 0.001% (15/1611158) and thus is presumed to be rare. Based on the available evidence, c.1054del (p.Thr352GlnfsTer65) is classified as Pathogenic.

Fulgent Genetics
Classification: Pathogenic for Glycine encephalopathy 1. Last evaluated: 2024-02-22. Review status: criteria provided, single submitter. Criteria: ACMG Guidelines, 2015. Collection method: clinical testing. Allele origin: germline.

Labcorp Genetics (formerly Invitae), Labcorp
Classification: Pathogenic for Glycine encephalopathy. Last evaluated: 2022-11-14. Review status: criteria provided, single submitter. Criteria: Invitae Variant Classification Sherloc (09022015). Collection method: clinical testing. Allele origin: germline.
Comment: This sequence change creates a premature translational stop signal (p.Thr352Glnfs*65) in the GLDC gene. It is expected to result in an absent or disrupted protein product. Loss-of-function variants in GLDC are known to be pathogenic (PMID: 16601880). This variant is present in population databases (rs386833518, gnomAD 0.004%). This premature translational stop signal has been observed in individual(s) with non-ketotic hyperglycinemia (PMID: 17361008). ClinVar contains an entry for this variant (Variation ID: 56037). For these reasons, this variant has been classified as Pathogenic.

PreventionGenetics, part of Exact Sciences
Classification: Pathogenic for GLDC-related condition. Last evaluated: 2022-09-29. Review status: criteria provided, single submitter. Criteria: ACMG Guidelines, 2015. Collection method: clinical testing. Allele origin: germline.
Comment: The GLDC c.1054delA variant is predicted to result in a frameshift and premature protein termination (p.Thr352Glnfs*65). This variant has been reported in patients with autosomal recessive glycine encephalopathy (Toone et al. 2002. PubMed ID: 12126939; Family P41, Kanno et al. 2007. PubMed ID: 17361008). This variant is reported in 0.0018% of alleles in individuals of European (Non-Finnish) descent in gnomAD. Frameshift variants in GLDC are expected to be pathogenic. This variant is interpreted as pathogenic.

Blueprint Genetics
Classification: Pathogenic for GLDC-related disorders. Last evaluated: 2022-08-03. Review status: criteria provided, single submitter. Criteria: ACMG Guidelines, 2015. Collection method: clinical testing. Allele origin: germline. Affected: yes. Observed: 4 variant alleles.

Women's Health and Genetics/Laboratory Corporation of America, LabCorp
Classification: Pathogenic for Non-ketotic hyperglycinemia. Last evaluated: 2019-07-06. Review status: criteria provided, single submitter. Criteria: LabCorp Variant Classification Summary - May 2015. Collection method: clinical testing. Allele origin: germline.
Comment: Variant summary: GLDC c.1054delA (p.Thr352GlnfsX65) results in a premature termination codon, predicted to cause a truncation of the encoded protein or absence of the protein due to nonsense mediated decay, which are commonly known mechanisms for disease. Truncations downstream of this position have been classified as pathogenic by our laboratory. The variant allele was found at a frequency of 1.2e-05 in 251262 control chromosomes. c.1054delA has been reported in the literature in multiple individuals affected with Glycine Encephalopathy (Non-Ketotic Hyperglycinemia) (Toone_2002, Kanno_2007, Coughlin_2017). These data indicate that the variant is very likely to be associated with disease. To our knowledge, no experimental evidence demonstrating an impact on protein function has been reported. Two clinical diagnostic laboratories have submitted clinical-significance assessments for this variant to ClinVar after 2014 without evidence for independent evaluation. All laboratories classified the variant as pathogenic/likely pathogenic. Based on the evidence outlined above, the variant was classified as pathogenic.

Counsyl
Classification: Likely pathogenic for Glycine encephalopathy 1. Last evaluated: 2016-11-03. Review status: no assertion criteria provided. Collection method: clinical testing. Allele origin: unknown. Not counted in ClinVar's aggregate classification.

Juha Muilu Group; Institute for Molecular Medicine Finland (FIMM)
Classification: Likely pathogenic for Non-ketotic hyperglycinemia. Review status: no assertion criteria provided. Collection method: not provided. Allele origin: unknown. Not counted in ClinVar's aggregate classification.
Comment: FinDis database variant: This variant was not found or characterized by our laboratory, data were collected from public sources: see reference
ClinVar note: Converted during submission from probable-pathogenic to Likely pathogenic.

Literature cited by the submitters: PubMed 27362913 (cited by Natera, Inc. and Women's Health and Genetics/Laboratory Corporation of America, LabCorp); PubMed 16601880 (cited by Labcorp Genetics (formerly Invitae), Labcorp); PubMed 17361008 (cited by 3 submitters); PubMed 12126939 (cited by Women's Health and Genetics/Laboratory Corporation of America, LabCorp and Counsyl).